The following is an entry in ClinVar:

NM_020778.5(ALPK3):c.3260G>A (p.Gly1087Glu)

Gene: ALPK3 (alpha kinase 3; plus strand). Cytogenetic location: 15q25.3.
Variant type: single nucleotide variant.
Coding change: c.3260G>A on transcript NM_020778.5 (MANE Select); coding-DNA position 3260, G replaced by A.
Protein change: p.Gly1087Glu; replaces glycine 1087 with glutamic acid.
Molecular consequence: missense variant.
Genome position (GRCh38, 1-based): chr15:84,857,998, G>A. VCF-style: chr15-84857998-G-A. GRCh37 (hg19) VCF-style: chr15-85401229-G-A.
Other names: short protein forms G1087E.
Identifiers: ClinVar variation 2059204 (VCV002059204.4), dbSNP rs1193025908, ClinGen allele CA393359915.
Genomic context (GRCh38, chr15:84,857,998, plus strand): 5'-GCTCCCTCACTGTCCCTGCCATTGTGGTAGACGAGGAGGACCCTGGGCTGGCCTCAGAAG[G>A]AGCCAGTGAGGGTGAAGGAGAGGTTTCCCCTGAGGGGCCTGGCCTCCTGGGGGCCTCTCA-3'
Protein context (NP_065829.4, residues 1077-1097): DEEDPGLASE[Gly1087Glu]ASEGEGEVSP

ClinVar aggregate classification (germline): Uncertain significance (1 of 4 stars; one submission).

Submission:

Labcorp Genetics (formerly Invitae), Labcorp
Classification: Uncertain significance. Last evaluated: 2022-05-04. Review status: criteria provided, single submitter. Criteria: Invitae Variant Classification Sherloc (09022015). Collection method: clinical testing. Allele origin: germline.
Comment: In summary, the available evidence is currently insufficient to determine the role of this variant in disease. Therefore, it has been classified as a Variant of Uncertain Significance. Algorithms developed to predict the effect of missense changes on protein structure and function output the following: SIFT: "Deleterious"; PolyPhen-2: "Benign"; Align-GVGD: "Class C0". The glutamic acid amino acid residue is found in multiple mammalian species, which suggests that this missense change does not adversely affect protein function. This variant has not been reported in the literature in individuals affected with ALPK3-related conditions. This variant is not present in population databases (gnomAD no frequency). This sequence change replaces glycine, which is neutral and non-polar, with glutamic acid, which is acidic and polar, at codon 1289 of the ALPK3 protein (p.Gly1289Glu).